The following is an entry in ClinVar:

ClinVar aggregate classification (germline): Uncertain significance. Review status: criteria provided, multiple submitters, no conflicts (2 of 4 stars). 7 submissions from 7 submitters: Uncertain significance (7). Last evaluated 2026-01-14.

Conditions:
Long QT syndrome 2 (LQT2). Identifiers: Orphanet 101016, Orphanet 768, MedGen C3150943, MONDO:0013367, OMIM 613688.
Short QT syndrome type 1. Identifiers: Orphanet 51083, MedGen C1865020, MONDO:0012312, OMIM 609620.
Cardiac arrhythmia. Also called: Cardiac rhythm disease; Arrhythmia. Identifiers: MedGen C0003811, MONDO:0007263, HP:0011675.
Long QT syndrome (LQTS). Identifiers: MedGen C0023976, MeSH D008133, MONDO:0002442. Disease mechanism: loss of function. Inheritance: Various modes of inheritance.
Cardiovascular phenotype. Identifiers: MedGen CN230736.

Allele frequency attached by ClinVar (database versions not stated): gnomAD exomes 0.00001; gnomAD 0.00003; TOPMed 0.00009.
gnomAD v4.1: 13 of 1,530,634 alleles (0.00085%); highest among the groups gnomAD compares: African/African-American, 0.015%; no homozygotes.

Submissions (7):

Labcorp Genetics (formerly Invitae), Labcorp
Classification: Uncertain significance for Long QT syndrome. Last evaluated: 2026-01-14. Review status: criteria provided, single submitter. Criteria: Invitae Variant Classification Sherloc (09022015). Collection method: clinical testing. Allele origin: germline.
Comment: This sequence change replaces glycine, which is neutral and non-polar, with tryptophan, which is neutral and slightly polar, at codon 924 of the KCNH2 protein (p.Gly924Trp). The frequency data for this variant in the population databases is considered unreliable, as metrics indicate poor data quality at this position in the gnomAD database. This variant has not been reported in the literature in individuals affected with KCNH2-related conditions. ClinVar contains an entry for this variant (Variation ID: 519287). An algorithm developed to predict the effect of missense changes on protein structure and function (PolyPhen-2) suggests that this variant is likely to be disruptive. Experimental studies have shown that this missense change does not substantially affect KCNH2 function (PMID: 34930020). This variant disrupts the p.Gly924 amino acid residue in KCNH2. Other variant(s) that disrupt this residue have been observed in individuals with KCNH2-related conditions (PMID: 19716085), which suggests that this may be a clinically significant amino acid residue. In summary, the available evidence is currently insufficient to determine the role of this variant in disease. Therefore, it has been classified as a Variant of Uncertain Significance.

Dasa
Classification: Uncertain significance. Last evaluated: 2026-01-13. Review status: criteria provided, single submitter. Criteria: DASA Assertion Criteria. Collection method: clinical testing. Allele origin: germline.
Comment: NM_000238.4(KCNH2):c.2770G>T (p.Gly924Trp) is a missense variant that results in the substitution of glycine with tryptophan. This variant is rare in population databases. The currently available literature and clinical evidence are not sufficient to establish a definitive association between this variant and the reported condition. Therefore, this variant is classified as a variant of uncertain significance.

Ambry Genetics
Classification: Uncertain significance for Cardiovascular phenotype. Last evaluated: 2024-10-08. Review status: criteria provided, single submitter. Criteria: Ambry Variant Classification Scheme 2023. Collection method: clinical testing. Allele origin: germline.
Comment: The p.G924W variant (also known as c.2770G>T), located in coding exon 12 of the KCNH2 gene, results from a G to T substitution at nucleotide position 2770. The glycine at codon 924 is replaced by tryptophan, an amino acid with highly dissimilar properties, and is located in the C-terminal region. In one study, this alteration was reported in an individual with a QTc interval <500ms without known arrhythmia (Van Driest SL et al. JAMA. 2016;315(1):47-57). This amino acid position is well conserved in available vertebrate species. In addition, the in silico prediction for this alteration is inconclusive. Since supporting evidence is limited at this time, the clinical significance of this alteration remains unclear.

Color Diagnostics, LLC DBA Color Health
Classification: Uncertain significance for Cardiac arrhythmia. Last evaluated: 2024-01-17. Review status: criteria provided, single submitter. Criteria: ACMG Guidelines, 2015. Collection method: clinical testing. Allele origin: germline.
Comment: This missense variant replaces glycine with tryptophan at codon 924 of the KCNH2 protein. Computational prediction is inconclusive regarding the impact of this variant on protein structure and function (internally defined REVEL score threshold 0.5 < inconclusive < 0.7, PMID: 27666373). A functional study has shown that this variant has no impact on channel current in HEK293 cells (PMID: 34930020). This variant has been reported in five individuals who were not noted with arrhythmia phenotypes in a population screening study (PMID: 34930020). This variant has been identified in 2/158624 chromosomes in the general population by the Genome Aggregation Database (gnomAD). The available evidence is insufficient to determine the role of this variant in disease conclusively. Therefore, this variant is classified as a Variant of Uncertain Significance.

Blueprint Genetics
Classification: Uncertain significance. Last evaluated: 2023-12-04. Review status: criteria provided, single submitter. Criteria: ACMG Guidelines, 2015. Collection method: clinical testing. Allele origin: germline.

All of Us Research Program, National Institutes of Health
Classification: Uncertain significance for Long QT syndrome. Last evaluated: 2023-08-14. Review status: criteria provided, single submitter. Criteria: ACMG Guidelines, 2015. Collection method: clinical testing. Allele origin: germline. Inheritance: Autosomal dominant inheritance. Observed: 1 variant allele, 1 heterozygote.
Comment: This missense variant replaces glycine with tryptophan at codon 924 of the KCNH2 protein. Computational prediction tool is inconclusive regarding the impact of this variant on protein structure and function (internally defined REVEL score threshold 0.5 < inconclusive < 0.7, PMID: 27666373). Splice site prediction tools suggest that this variant may not impact RNA splicing. To our knowledge, functional studies have not been performed for this variant. This variant has not been reported in individuals affected with cardiovascular disorders in the literature. This variant has been identified in 2/158624 chromosomes in the general population by the Genome Aggregation Database (gnomAD). The available evidence is insufficient to determine the role of this variant in disease conclusively. Therefore, this variant is classified as a Variant of Uncertain Significance.

This study involves interpretation of variants in research participants for the purpose of population health screening. Participant phenotype was not available at the time of variant classification. Additional details can be found in publication PMID: 35346344, PMCID: PMC8962531

Fulgent Genetics
Classification: Uncertain significance for Short QT syndrome type 1; Long QT syndrome 2. Last evaluated: 2021-09-15. Review status: criteria provided, single submitter. Criteria: ACMG Guidelines, 2015. Collection method: clinical testing. Allele origin: unknown.

Literature cited by the submitters: PubMed 34930020 (cited by Labcorp Genetics (formerly Invitae), Labcorp and Color Diagnostics, LLC DBA Color Health); PubMed 19716085 (cited by Labcorp Genetics (formerly Invitae), Labcorp); PubMed 26746457 (cited by Ambry Genetics).

NM_000238.4(KCNH2):c.2770G>T (p.Gly924Trp)

Gene: KCNH2 (potassium voltage-gated channel subfamily H member 2; minus strand). Cytogenetic location: 7q36.1.
Variant type: single nucleotide variant.
Coding change: c.2770G>T on transcript NM_000238.4 (MANE Select); coding-DNA position 2770, G replaced by T.
Protein change: p.Gly924Trp; replaces glycine 924 with tryptophan.
Molecular consequence: missense variant.
Genome position (GRCh38, 1-based): chr7:150,947,801, C>A on the plus strand (G>T on the coding strand, the complement: KCNH2 is on the minus strand). VCF-style: chr7-150947801-C-A. GRCh37 (hg19) VCF-style: chr7-150644889-C-A.
Other names: c.1750G>T, p.Gly584Trp (NM_172057.3); short protein forms G584W, G924W.
Identifiers: ClinVar variation 519287 (VCV000519287.25), dbSNP rs794728397, ClinGen allele CA169072631.
Genomic context (GRCh38, chr7:150,947,801, plus strand): 5'-CATCCTCACTGCTCTCAGGGCTGGAGGGGCCACTGGACGGGCTCTCCCCCCACGGCCCCC[C>A]CGGCCGGCCCCGGCTACTCGGCCCTGCCCCCGCCCGGCCCGGCCCCAAGGCCGACACCTC-3'
Protein context (NP_000229.1, residues 914-934): GAGPSSRGRP[Gly924Trp]GPWGESPSSG